The following is an entry in ClinVar:

NM_003920.5(TIMELESS):c.1868+8C>T

Gene: TIMELESS (timeless circadian regulator; minus strand). Cytogenetic location: 12q13.3.
Variant type: single nucleotide variant.
Coding change: c.1868+8C>T on transcript NM_003920.5 (MANE Select); 8 bases into the intron after coding-DNA position 1868, C replaced by T.
Molecular consequence: intron variant.
Genome position (GRCh38, 1-based): chr12:56,424,754, G>A on the plus strand (C>T on the coding strand, the complement: TIMELESS is on the minus strand). VCF-style: chr12-56424754-G-A. GRCh37 (hg19) VCF-style: chr12-56818538-G-A.
Other names: c.1865+8C>T (NM_001330295.2).
Identifiers: ClinVar variation 4820749 (VCV004820749.4).
Genomic context (GRCh38, chr12:56,424,754, plus strand): 5'-CACTGTACCGCAGTGATGGCCTCCTCCTTCCCCCAAAGCCCAAGAGGATGAGCAGGCAGG[G>A]TTCTTACCGAGCAGACCTCAGGAGAGTCAGGGCCTGTGGGGCCTGGCCAGCCAGGAGACA-3'

ClinVar aggregate classification (germline): Likely benign (1 of 4 stars; one submission).

gnomAD v4.1: 4,108 of 1,613,100 alleles (0.25%); highest among the groups gnomAD compares: Middle Eastern, 0.9%; 20 homozygotes.

Submission:

CeGaT Center for Human Genetics Tuebingen
Classification: Likely benign. Last evaluated: 2026-01-01. Review status: criteria provided, single submitter. Criteria: CeGaT Center For Human Genetics Tuebingen Variant Classification Criteria Version 2. Collection method: clinical testing. Allele origin: germline. Affected: yes. Observed: 1 variant allele.
Comment: TIMELESS: BP4, BS2